The following is an entry in ClinVar:

ClinVar aggregate classification (germline): Uncertain significance (1 of 4 stars; one submission).

gnomAD v4.1: 3 of 1,613,438 alleles (0.00019%); highest among the groups gnomAD compares: Middle Eastern, 0.017%; no homozygotes.

Submission:

Labcorp Genetics (formerly Invitae), Labcorp
Classification: Uncertain significance. Last evaluated: 2025-03-10. Review status: criteria provided, single submitter. Criteria: Invitae Variant Classification Sherloc (09022015). Collection method: clinical testing. Allele origin: germline.
Comment: This sequence change replaces asparagine, which is neutral and polar, with tyrosine, which is neutral and polar, at codon 461 of the TMPRSS15 protein (p.Asn461Tyr). This variant is present in population databases (no rsID available, gnomAD 0.003%). This variant has not been reported in the literature in individuals affected with TMPRSS15-related conditions. ClinVar contains an entry for this variant (Variation ID: 2880654). An algorithm developed to predict the effect of missense changes on protein structure and function (PolyPhen-2) suggests that this variant is likely to be disruptive. In summary, the available evidence is currently insufficient to determine the role of this variant in disease. Therefore, it has been classified as a Variant of Uncertain Significance.

NM_002772.3(TMPRSS15):c.1381A>T (p.Asn461Tyr)

Gene: TMPRSS15 (transmembrane serine protease 15; minus strand). Cytogenetic location: 21q21.1.
Variant type: single nucleotide variant.
Coding change: c.1381A>T on transcript NM_002772.3 (MANE Select); coding-DNA position 1381, A replaced by T.
Protein change: p.Asn461Tyr; replaces asparagine 461 with tyrosine.
Molecular consequence: missense variant.
Genome position (GRCh38, 1-based): chr21:18,343,553, T>A on the plus strand (A>T on the coding strand, the complement: TMPRSS15 is on the minus strand). VCF-style: chr21-18343553-T-A. GRCh37 (hg19) VCF-style: chr21-19715870-T-A.
Other names: short protein forms N461Y.
Identifiers: ClinVar variation 2880654 (VCV002880654.3), dbSNP rs373594153, ClinGen allele CA409850721.
Genomic context (GRCh38, chr21:18,343,553, plus strand): 5'-GTATTTTGCAAACCTTAAATTTAACTGTTTCATTTAGGGTTACTTGTCCATAATTCCAAT[T>A]GTCTCCATAATTTCCTTCCTTTTGGAAAACTGTCTTCTCCATATTTTGGTCATTGCTGAT-3'
Protein context (NP_002763.3, residues 451-471): VFQKEGNYGD[Asn461Tyr]WNYGQVTLNE